The following is an entry in ClinVar:

NM_004551.3(NDUFS3):c.782C>T (p.Pro261Leu)

Gene: NDUFS3 (NADH:ubiquinone oxidoreductase core subunit S3; plus strand). Cytogenetic location: 11p11.2.
Variant type: single nucleotide variant.
Coding change: c.782C>T on transcript NM_004551.3 (MANE Select); coding-DNA position 782, C replaced by T.
Protein change: p.Pro261Leu; replaces proline 261 with leucine.
Molecular consequence: missense variant.
Genome position (GRCh38, 1-based): chr11:47,584,468, C>T. VCF-style: chr11-47584468-C-T. GRCh37 (hg19) VCF-style: chr11-47606020-C-T.
Other names: c.782C>T (NM_004551.2); short protein forms P261L.
Identifiers: ClinVar variation 1971858 (VCV001971858.3), dbSNP rs1325299641, ClinGen allele CA380363032.

ClinVar aggregate classification (germline): Uncertain significance. Review status: criteria provided, multiple submitters, no conflicts (2 of 4 stars). 2 submissions from 2 submitters: Uncertain significance (2). Last evaluated 2024-07-05.

Conditions:
Inborn genetic diseases. Identifiers: MedGen C0950123, MeSH D030342.

Allele frequency attached by ClinVar (database versions not stated): gnomAD 0.00001; gnomAD exomes 0.00001; TOPMed 0.00001.
gnomAD v4.1: 6 of 1,614,006 alleles (0.00037%); highest among the groups gnomAD compares: South Asian, 0.0011%; no homozygotes.

Submissions (2):

Ambry Genetics
Classification: Uncertain significance for Inborn genetic diseases. Last evaluated: 2024-07-05. Review status: criteria provided, single submitter. Criteria: Ambry Variant Classification Scheme 2023. Collection method: clinical testing. Allele origin: germline.

Labcorp Genetics (formerly Invitae), Labcorp
Classification: Uncertain significance. Last evaluated: 2022-06-13. Review status: criteria provided, single submitter. Criteria: Invitae Variant Classification Sherloc (09022015). Collection method: clinical testing. Allele origin: germline.
Comment: This sequence change replaces proline, which is neutral and non-polar, with leucine, which is neutral and non-polar, at codon 261 of the NDUFS3 protein (p.Pro261Leu). This variant is not present in population databases (gnomAD no frequency). This variant has not been reported in the literature in individuals affected with NDUFS3-related conditions. Algorithms developed to predict the effect of missense changes on protein structure and function are either unavailable or do not agree on the potential impact of this missense change (SIFT: "Deleterious"; PolyPhen-2: "Benign"; Align-GVGD: "Class C0"). In summary, the available evidence is currently insufficient to determine the role of this variant in disease. Therefore, it has been classified as a Variant of Uncertain Significance.